The following is an entry in ClinVar:

NM_000092.5(COL4A4):c.1902_1903del (p.Pro635fs)

Gene: COL4A4 (collagen type IV alpha 4 chain; minus strand). Cytogenetic location: 2q36.3.
Variant type: Deletion.
Coding change: c.1902_1903del on transcript NM_000092.5 (MANE Select); coding-DNA positions 1902 to 1903, 2 bases deleted (TC; older notation c.1902_1903delTC).
Protein change: p.Pro635fs; shifts the reading frame from proline 635.
Molecular consequence: frameshift variant.
Genome position (GRCh38, 1-based): chr2:227,077,978-227,077,979, GA deleted on the plus strand (TC on the coding strand, the reverse complement: COL4A4 is on the minus strand). VCF-style (leftmost placement, unchanged base first): chr2-227077977-GGA-G. GRCh37 (hg19) VCF-style: chr2-227942693-GGA-G.
Other names: short protein forms P635fs.
Identifiers: ClinVar variation 5012902 (VCV005012902.1).

ClinVar aggregate classification (germline): Pathogenic (1 of 4 stars; one submission).

Conditions:
Alport syndrome. Also called: Hemorrhagic familial nephritis; Hemorrhagic hereditary nephritis; Congenital hereditary hematuria. Identifiers: Orphanet 63, MedGen C1567741, MONDO:0018965.

Submission:

Myriad Genetics, Inc.
Classification: Pathogenic for Alport syndrome. Last evaluated: 2024-04-07. Review status: criteria provided, single submitter. Criteria: Myriad Autosomal Dominant, Autosomal Recessive and X-Linked Classification Criteria (2023). Collection method: clinical testing. Allele origin: unknown.
Comment: NM_000092.4(COL4A4):c.1902_1903delTC(P635Wfs*21) is expected to be pathogenic in the context of Alport syndrome, COL4A4-related. This variant is predicted to lead to an abnormal or absent protein product due to the creation of a premature termination codon in COL4A4, a gene where loss-of-function variants are known to be pathogenic. Please note: this variant was assessed in the context of healthy population screening.